The following is an entry in ClinVar:

NM_000426.4(LAMA2):c.7262A>G (p.Lys2421Arg)

Gene: LAMA2 (laminin subunit alpha 2; plus strand). Cytogenetic location: 6q22.33.
Variant type: single nucleotide variant.
Coding change: c.7262A>G on transcript NM_000426.4 (MANE Select); coding-DNA position 7262, A replaced by G.
Protein change: p.Lys2421Arg; replaces lysine 2421 with arginine.
Molecular consequence: missense variant.
Genome position (GRCh38, 1-based): chr6:129,465,251, A>G. VCF-style: chr6-129465251-A-G. GRCh37 (hg19) VCF-style: chr6-129786396-A-G.
Other names: c.7262A>G, p.Lys2421Arg (NM_001079823.2); short protein forms K2421R.
Identifiers: ClinVar variation 936443 (VCV000936443.10), dbSNP rs1783482632, ClinGen allele CA365622074.

ClinVar aggregate classification (germline): Uncertain significance (1 of 4 stars; one submission).

Conditions:
LAMA2-related muscular dystrophy (LAMA2-RD). Also called: Laminin alpha 2-related dystrophy. Identifiers: MedGen C5679788, MONDO:0100228.

Submission:

Labcorp Genetics (formerly Invitae), Labcorp
Classification: Uncertain significance for LAMA2-related muscular dystrophy. Last evaluated: 2022-08-10. Review status: criteria provided, single submitter. Criteria: Invitae Variant Classification Sherloc (09022015). Collection method: clinical testing. Allele origin: germline.
Comment: This variant is not present in population databases (gnomAD no frequency). This sequence change replaces lysine, which is basic and polar, with arginine, which is basic and polar, at codon 2421 of the LAMA2 protein (p.Lys2421Arg). This variant has not been reported in the literature in individuals affected with LAMA2-related conditions. ClinVar contains an entry for this variant (Variation ID: 936443). Advanced modeling of protein sequence and biophysical properties (such as structural, functional, and spatial information, amino acid conservation, physicochemical variation, residue mobility, and thermodynamic stability) performed at Invitae indicates that this missense variant is not expected to disrupt LAMA2 protein function. In summary, the available evidence is currently insufficient to determine the role of this variant in disease. Therefore, it has been classified as a Variant of Uncertain Significance.